The following is an entry in ClinVar:

ClinVar aggregate classification (germline): Pathogenic (1 of 4 stars; one submission).

Conditions:
Maple syrup urine disease type 1A (MSUD1A). Also called: MSUD type 1A. Identifiers: MedGen C1855369, MONDO:0023691, OMIM 248600.

Submission:

Myriad Genetics, Inc.
Classification: Pathogenic for Maple syrup urine disease type 1A. Last evaluated: 2023-09-27. Review status: criteria provided, single submitter. Criteria: Myriad Autosomal Dominant, Autosomal Recessive and X-Linked Classification Criteria (2023). Collection method: clinical testing. Allele origin: unknown.
Comment: NM_000709.3(BCKDHA):c.252dupG(Q85Afs*29) is expected to be pathogenic in the context of maple syrup urine disease type Ia. This variant is predicted to lead to an abnormal or absent protein product due to the creation of a premature termination codon in BCKDHA, a gene where loss-of-function variants are known to be pathogenic. Please note: this variant was assessed in the context of healthy population screening.

NM_000709.4(BCKDHA):c.252dup (p.Gln85fs)

Gene: BCKDHA (branched chain keto acid dehydrogenase E1 subunit alpha; plus strand). Cytogenetic location: 19q13.2.
Variant type: Duplication.
Coding change: c.252dup on transcript NM_000709.4 (MANE Select); coding-DNA position 252, one base duplicated (G; older notation c.252dupG).
Protein change: p.Gln85fs; shifts the reading frame from glutamine 85.
Molecular consequence: frameshift variant.
Genome position (GRCh38, 1-based): chr19:41,410,780, G duplicated; the last of 2 consecutive G bases (chr19:41,410,779-41,410,780); duplicating either gives the same sequence. VCF-style (leftmost placement, unchanged base first): chr19-41410778-C-CG. GRCh37 (hg19) VCF-style: chr19-41916683-C-CG.
Other names: c.252dup, p.Gln85fs (NM_001164783.2); short protein forms Q85fs.
Identifiers: ClinVar variation 5011979 (VCV005011979.1).